The following is an entry in ClinVar:

NM_002075.4(GNB3):c.667del (p.Thr223fs)

Gene: GNB3 (G protein subunit beta 3; plus strand). Cytogenetic location: 12p13.31.
Variant type: Deletion.
Coding change: c.667del on transcript NM_002075.4 (MANE Select); coding-DNA position 667, one base deleted (A; older notation c.667delA).
Protein change: p.Thr223fs; shifts the reading frame from threonine 223.
Molecular consequence: frameshift variant.
Genome position (GRCh38, 1-based): chr12:6,843,946, A deleted. VCF-style (leftmost placement, unchanged base first): chr12-6843945-CA-C. GRCh37 (hg19) VCF-style: chr12-6953109-CA-C.
Other names: c.664del, p.Thr222fs (NM_001297571.2); short protein forms T222fs, T223fs.
Identifiers: ClinVar variation 1036545 (VCV001036545.6), dbSNP rs1217456782, ClinGen allele CA603486109.

ClinVar aggregate classification (germline): Uncertain significance (1 of 4 stars; one submission).

Allele frequency attached by ClinVar (database versions not stated): gnomAD exomes below 0.00001; gnomAD 0.00001 and 0.00002; TOPMed 0.00002.

Submission:

Labcorp Genetics (formerly Invitae), Labcorp
Classification: Uncertain significance. Last evaluated: 2025-03-17. Review status: criteria provided, single submitter. Criteria: Invitae Variant Classification Sherloc (09022015). Collection method: clinical testing. Allele origin: germline.
Comment: This sequence change creates a premature translational stop signal (p.Thr223Leufs*39) in the GNB3 gene. It is expected to result in an absent or disrupted protein product. However, the current clinical and genetic evidence is not sufficient to establish whether loss-of-function variants in GNB3 cause disease. This variant is present in population databases (no rsID available, gnomAD 0.003%). This variant has not been reported in the literature in individuals affected with GNB3-related conditions. ClinVar contains an entry for this variant (Variation ID: 1036545). In summary, the available evidence is currently insufficient to determine the role of this variant in disease. Therefore, it has been classified as a Variant of Uncertain Significance.